The following is an entry in ClinVar:

NM_001195553.2(DCX):c.557G>A (p.Arg186His)

Gene: DCX (doublecortin; minus strand). Cytogenetic location: Xq23.
Variant type: single nucleotide variant.
Coding change: c.557G>A on transcript NM_001195553.2 (MANE Select); coding-DNA position 557, G replaced by A.
Protein change: p.Arg186His; replaces arginine 186 with histidine.
Molecular consequence: missense variant.
Genome position (GRCh38, 1-based): chrX:111,401,138, C>T on the plus strand (G>A on the coding strand, the complement: DCX is on the minus strand). VCF-style: chrX-111401138-C-T. GRCh37 (hg19) VCF-style: chrX-110644366-C-T.
Other names: c.800G>A, p.Arg267His (NM_000555.3); c.557G>A, p.Arg186His (NM_001369370.1, NM_001369371.1, NM_001369372.1 and 5 more transcripts); c.557G>A (NM_178153.1); short protein forms R186H, R267H.
Identifiers: ClinVar variation 158477 (VCV000158477.9), dbSNP rs587783563, ClinGen allele CA171995.
Genomic context (GRCh38, chrX:111,401,138, plus strand): 5'-GAGTGGGCTGTCTTCTTGTTCAGAAGCACACGCACAGCCTTCCGAGGCTTCACCCCACTG[C>T]GGATGATGGTAACCAGCTTGGGGCGCACAAAGTCCTTGTTCTCCCTGGCCTGTGCACTGT-3'
Protein context (NP_001182482.1, residues 176-196): FVRPKLVTII[Arg186His]SGVKPRKAVR

ClinVar aggregate classification (germline): Conflicting classifications of pathogenicity. Review status: criteria provided, conflicting classifications (1 of 4 stars). 4 submissions from 4 submitters: Pathogenic (2); Uncertain significance (1). 1 of the submissions does not count toward it. Last evaluated 2023-02-14.

Conditions:
Lissencephaly type 1 due to doublecortin gene mutation. Also called: LISSENCEPHALY, X-LINKED, 1; LISSENCEPHALY AND AGENESIS OF CORPUS CALLOSUM. Identifiers: Orphanet 2148, MedGen C4551968, MONDO:0010239, OMIM 300067.
Seizure. Also called: Seizures. Identifiers: MedGen C0036572, HP:0001250.
Ectopic tissue. Also called: Heterotopia. Identifiers: MedGen C0008519.

Allele frequency attached by ClinVar (database versions not stated): ExAC 0.00001.

Submissions (4):

GeneDx
Classification: Pathogenic. Last evaluated: 2023-02-14. Review status: criteria provided, single submitter. Criteria: GeneDx Variant Classification Process June 2021. Collection method: clinical testing. Allele origin: germline. Affected: yes.
Comment: In silico analysis supports that this missense variant has a deleterious effect on protein structure/function; Not observed at significant frequency in large population cohorts (gnomAD); This variant is associated with the following publications: (PMID: 25326635, 17111359, 31481326, 23365099)

Baylor Genetics
Classification: Uncertain significance for Lissencephaly type 1 due to doublecortin gene mutation. Last evaluated: 2017-09-01. Review status: criteria provided, single submitter. Criteria: ACMG Guidelines, 2015. Collection method: clinical testing. Allele origin: de novo. Inheritance: X-linked inheritance. Affected: yes.
Comment: This variant has been previously reported in single individual with no family, population, or functional studies.

Genetic Services Laboratory, University of Chicago
Classification: Pathogenic for Abnormality of neuronal migration. Last evaluated: 2013-02-08. Review status: criteria provided, single submitter. Criteria: ACMG Guidelines, 2007. Collection method: clinical testing. Allele origin: germline. Inheritance: Autosomal dominant inheritance. Affected: yes.

Diagnostic Laboratory, Strasbourg University Hospital
Classification: Uncertain significance for Seizure. Review status: no assertion criteria provided. Collection method: clinical testing. Allele origin: germline. Affected: yes. Observed: 1 heterozygote. Not counted in ClinVar's aggregate classification.

Literature cited by the submitters: PubMed 17111359 (cited by Baylor Genetics); PubMed 25326635 (cited by Baylor Genetics).